The following is an entry in ClinVar:

ClinVar aggregate classification (germline): Uncertain significance. Review status: criteria provided, multiple submitters, no conflicts (2 of 4 stars). 4 submissions from 4 submitters: Uncertain significance (3). 1 of the submissions does not count toward it. Last evaluated 2026-08-17.

Conditions:
Retinal dystrophy. Also called: Inherited retinal dystrophy. Identifiers: Orphanet 71862, MedGen C0854723, MeSH D058499, MONDO:0019118, HP:0000556.
RP1-related disorder. Also called: RP1-related condition.

Allele frequency attached by ClinVar (database versions not stated): ExAC 0.00005; gnomAD exomes 0.00006 and 0.00010; ESP Exome Variant Server 0.00008; gnomAD 0.00009 and 0.00010; TOPMed 0.00010.
gnomAD v4.1: 153 of 1,613,716 alleles (0.0095%); highest among the groups gnomAD compares: Non-Finnish European, 0.012%; no homozygotes.

Submissions (4):

PreventionGenetics, part of Exact Sciences
Classification: Uncertain significance for RP1-related condition. Last evaluated: 2026-08-17. Review status: criteria provided, single submitter. Criteria: ACMG Guidelines, 2015. Collection method: clinical testing. Allele origin: germline.
Comment: The RP1 c.2972A>G variant is predicted to result in the amino acid substitution p.Asp991Gly. To our knowledge, this variant has not been reported in the literature. This variant is reported in 0.012% of alleles in individuals of European (Non-Finnish) descent in gnomAD. At this time, the clinical significance of this variant is uncertain due to the absence of conclusive functional and genetic evidence.

Labcorp Genetics (formerly Invitae), Labcorp
Classification: Uncertain significance. Last evaluated: 2025-12-24. Review status: criteria provided, single submitter. Criteria: Invitae Variant Classification Sherloc (09022015). Collection method: clinical testing. Allele origin: germline.
Comment: This sequence change replaces aspartic acid, which is acidic and polar, with glycine, which is neutral and non-polar, at codon 991 of the RP1 protein (p.Asp991Gly). This variant is present in population databases (rs202057087, gnomAD 0.01%). This variant has not been reported in the literature in individuals affected with RP1-related conditions. ClinVar contains an entry for this variant (Variation ID: 1040274). An algorithm developed to predict the effect of missense changes on protein structure and function outputs the following: PolyPhen-2: "Benign". The glycine amino acid residue is found in multiple mammalian species, which suggests that this missense change does not adversely affect protein function. In summary, the available evidence is currently insufficient to determine the role of this variant in disease. Therefore, it has been classified as a Variant of Uncertain Significance.

Blueprint Genetics
Classification: Uncertain significance. Last evaluated: 2023-03-23. Review status: criteria provided, single submitter. Criteria: ACMG Guidelines, 2015. Collection method: clinical testing. Allele origin: germline.

Institute of Human Genetics, Univ. Regensburg, Univ. Regensburg
Classification: Uncertain significance for Retinal dystrophy. Last evaluated: 2022-01-01. Review status: no assertion criteria provided. Criteria: ACMG Guidelines, 2015. Collection method: clinical testing. Allele origin: germline. Affected: yes. Not counted in ClinVar's aggregate classification.

NM_006269.2(RP1):c.2972A>G (p.Asp991Gly)

Gene: RP1 (RP1 axonemal microtubule associated; plus strand). Cytogenetic location: 8q12.1.
Variant type: single nucleotide variant.
Coding change: c.2972A>G on transcript NM_006269.2 (MANE Select); coding-DNA position 2972, A replaced by G.
Protein change: p.Asp991Gly; replaces aspartic acid 991 with glycine.
Molecular consequence: missense variant. On other transcripts: intron variant (1).
Genome position (GRCh38, 1-based): chr8:54,626,854, A>G. VCF-style: chr8-54626854-A-G. GRCh37 (hg19) VCF-style: chr8-55539414-A-G.
Other names: c.787+4566A>G (NM_001375654.1); c.2972A>G (NM_006269.1); short protein forms D991G.
Identifiers: ClinVar variation 1040274 (VCV001040274.9), dbSNP rs202057087, ClinGen allele CA4751619.